The following is an entry in ClinVar:

NM_032237.5(POMK):c.760G>A (p.Val254Met)

Gene: POMK (protein O-mannose kinase; plus strand). Cytogenetic location: 8p11.21.
Variant type: single nucleotide variant.
Coding change: c.760G>A on transcript NM_032237.5 (MANE Select); coding-DNA position 760, G replaced by A.
Protein change: p.Val254Met; replaces valine 254 with methionine.
Molecular consequence: missense variant.
Genome position (GRCh38, 1-based): chr8:43,122,584, G>A. VCF-style: chr8-43122584-G-A. GRCh37 (hg19) VCF-style: chr8-42977727-G-A.
Other names: c.760G>A, p.Val254Met (NM_001277971.2); short protein forms V254M.
Identifiers: ClinVar variation 541241 (VCV000541241.16), dbSNP rs34715198, ClinGen allele CA4736353.

ClinVar aggregate classification (germline): Conflicting classifications of pathogenicity. Review status: criteria provided, conflicting classifications (1 of 4 stars). 4 submissions from 4 submitters: Uncertain significance (3); Likely benign (1). Last evaluated 2025-01-06.

Conditions:
Muscular dystrophy-dystroglycanopathy (congenital with brain and eye anomalies), type a, 12 (MDDGA12). Also called: WALKER-WARBURG SYNDROME OR MUSCLE-EYE-BRAIN DISEASE, POMK-RELATED. Identifiers: Orphanet 899, MedGen C3808964, MONDO:0014101, OMIM 615249.
Limb-girdle muscular dystrophy due to POMK deficiency. Also called: MUSCULAR DYSTROPHY-DYSTROGLYCANOPATHY, LIMB-GIRDLE, POMK-RELATED; Muscular dystrophy-dystroglycanopathy (limb-girdle), type c, 12. Identifiers: Orphanet 445110, MedGen C4015184, MONDO:0014489, OMIM 616094.

Allele frequency attached by ClinVar (database versions not stated): gnomAD exomes 0.00004 and 0.00017; gnomAD 0.00011 and 0.00012; ESP Exome Variant Server 0.00015; TOPMed 0.00016; ExAC 0.00020; 1000 Genomes Project 0.00080; 1000 Genomes Project 30x 0.00094.

Submissions (4):

Labcorp Genetics (formerly Invitae), Labcorp
Classification: Uncertain significance for Muscular dystrophy-dystroglycanopathy (congenital with brain and eye anomalies), type a, 12; Limb-girdle muscular dystrophy due to POMK deficiency. Last evaluated: 2025-01-06. Review status: criteria provided, single submitter. Criteria: Invitae Variant Classification Sherloc (09022015). Collection method: clinical testing. Allele origin: germline.
Comment: This sequence change replaces valine, which is neutral and non-polar, with methionine, which is neutral and non-polar, at codon 254 of the POMK protein (p.Val254Met). This variant is present in population databases (rs34715198, gnomAD 0.2%). This variant has not been reported in the literature in individuals affected with POMK-related conditions. ClinVar contains an entry for this variant (Variation ID: 541241). Invitae Evidence Modeling of protein sequence and biophysical properties (such as structural, functional, and spatial information, amino acid conservation, physicochemical variation, residue mobility, and thermodynamic stability) has been performed for this missense variant. However, the output from this modeling did not meet the statistical confidence thresholds required to predict the impact of this variant on POMK protein function. In summary, the available evidence is currently insufficient to determine the role of this variant in disease. Therefore, it has been classified as a Variant of Uncertain Significance.

Women's Health and Genetics/Laboratory Corporation of America, LabCorp
Classification: Uncertain significance. Last evaluated: 2024-10-16. Review status: criteria provided, single submitter. Criteria: LabCorp Variant Classification Summary - May 2015. Collection method: clinical testing. Allele origin: germline.
Comment: Variant summary: POMK c.760G>A (p.Val254Met) results in a conservative amino acid change located in the Protein kinase domain of the encoded protein sequence. Three of five in-silico tools predict a benign effect of the variant on protein function. The variant allele was found at a frequency of 0.00017 in 251318 control chromosomes. This frequency is not significantly higher than estimated for a pathogenic variant in POMK causing Muscular Dystrophy-Dystroglycanopathy (congenital With Brain And Eye Anomalies), Type A, 12, allowing no conclusion about variant significance. To our knowledge, no occurrence of c.760G>A in individuals affected with Muscular Dystrophy-Dystroglycanopathy (congenital With Brain And Eye Anomalies), Type A, 12 and no experimental evidence demonstrating its impact on protein function have been reported. ClinVar contains an entry for this variant (Variation ID: 541241). Based on the evidence outlined above, the variant was classified as uncertain significance.

Revvity Omics, Revvity
Classification: Uncertain significance. Last evaluated: 2023-11-17. Review status: criteria provided, single submitter. Criteria: ACMG Guidelines, 2015. Collection method: clinical testing. Allele origin: germline.

GeneDx
Classification: Likely benign. Last evaluated: 2019-03-25. Review status: criteria provided, single submitter. Criteria: GeneDx Variant Classification Process June 2021. Collection method: clinical testing. Allele origin: germline. Affected: yes.